The following is an entry in ClinVar:

NM_025243.4(SLC19A3):c.334T>G (p.Phe112Val)

Gene: SLC19A3 (solute carrier family 19 member 3; minus strand). Cytogenetic location: 2q36.3.
Variant type: single nucleotide variant.
Coding change: c.334T>G on transcript NM_025243.4 (MANE Select); coding-DNA position 334, T replaced by G.
Protein change: p.Phe112Val; replaces phenylalanine 112 with valine.
Molecular consequence: missense variant.
Genome position (GRCh38, 1-based): chr2:227,699,381, A>C on the plus strand (T>G on the coding strand, the complement: SLC19A3 is on the minus strand). VCF-style: chr2-227699381-A-C. GRCh37 (hg19) VCF-style: chr2-228564097-A-C.
Other names: c.322T>G, p.Phe108Val (NM_001371413.1, NM_001371414.1); c.334T>G, p.Phe112Val (NM_001371411.1, NM_001371412.1); short protein forms F112V, F108V.
Identifiers: ClinVar variation 2043720 (VCV002043720.4), dbSNP rs1451259233, ClinGen allele CA350877435.
Genomic context (GRCh38, chr2:227,699,381, plus strand): 5'-TGACCACGCTGTATATGTAGGCGTAGTAGGCCACCTCGGCGGCGGTGACCATCCCATAGA[A>C]GAACTCTACAACCTGCATGGTCTTCACTCCTTGGCCAAACAACAGCAGCAGCCAGGTAAT-3'
Protein context (NP_079519.1, residues 102-122): GVKTMQVVEF[Phe112Val]YGMVTAAEVA

ClinVar aggregate classification (germline): Uncertain significance (1 of 4 stars; one submission).

Conditions:
Biotin-responsive basal ganglia disease (BTBGD). Also called: Thiamine metabolism dysfunction syndrome type 2; THIAMINE METABOLISM DYSFUNCTION SYNDROME 2 (BIOTIN- AND THIAMINE-RESPONSIVE TYPE); Thiamine metabolism dysfunction syndrome 2 (biotin- or thiamine-responsive encephalopathy type 2); thiamine-responsive encephalopathy; Thiamine Transporter-2 Deficiency. Identifiers: Orphanet 199348, Orphanet 65284, MedGen C1843807, MONDO:0011841, OMIM 607483.

Submission:

Labcorp Genetics (formerly Invitae), Labcorp
Classification: Uncertain significance for Biotin-responsive basal ganglia disease. Last evaluated: 2021-12-15. Review status: criteria provided, single submitter. Criteria: Invitae Variant Classification Sherloc (09022015). Collection method: clinical testing. Allele origin: germline.
Comment: In summary, the available evidence is currently insufficient to determine the role of this variant in disease. Therefore, it has been classified as a Variant of Uncertain Significance. Advanced modeling of protein sequence and biophysical properties (such as structural, functional, and spatial information, amino acid conservation, physicochemical variation, residue mobility, and thermodynamic stability) performed at Invitae indicates that this missense variant is not expected to disrupt SLC19A3 protein function. This variant has not been reported in the literature in individuals affected with SLC19A3-related conditions. This variant is not present in population databases (gnomAD no frequency). This sequence change replaces phenylalanine, which is neutral and non-polar, with valine, which is neutral and non-polar, at codon 112 of the SLC19A3 protein (p.Phe112Val).